The following is an entry in ClinVar:

NM_004260.4(RECQL4):c.929_930delinsTT (p.Pro310Leu)

Gene: RECQL4 (RecQ like helicase 4; minus strand). Cytogenetic location: 8q24.3.
Variant type: Indel.
Coding change: c.929_930delinsTT on transcript NM_004260.4 (MANE Select); coding-DNA positions 929 to 930, CC replaced by TT.
Protein change: p.Pro310Leu; replaces proline 310 with leucine.
Molecular consequence: missense variant.
Genome position (GRCh38, 1-based): chr8:144,516,189-144,516,190, GG replaced by AA on the plus strand (CC replaced by TT on the coding strand, the reverse complement: RECQL4 is on the minus strand). VCF-style: chr8-144516189-GG-AA. GRCh37 (hg19) VCF-style: chr8-145741573-GG-AA.
Other names: short protein forms P310L.
Identifiers: ClinVar variation 1384474 (VCV001384474.6), dbSNP rs2130719606, ClinGen allele CA2573142939.

ClinVar aggregate classification (germline): Uncertain significance (1 of 4 stars; one submission).

Conditions:
Baller-Gerold syndrome (BGS). Also called: CRANIOSYNOSTOSIS WITH RADIAL DEFECTS. Identifiers: Orphanet 1225, MedGen C0265308, MONDO:0009039, OMIM 218600.

Submission:

Labcorp Genetics (formerly Invitae), Labcorp
Classification: Uncertain significance for Baller-Gerold syndrome. Last evaluated: 2023-04-28. Review status: criteria provided, single submitter. Criteria: Invitae Variant Classification Sherloc (09022015). Collection method: clinical testing. Allele origin: germline.
Comment: This sequence change replaces proline, which is neutral and non-polar, with leucine, which is neutral and non-polar, at codon 310 of the RECQL4 protein (p.Pro310Leu). This variant is present in population databases (no rsID available, gnomAD 0.0004%). This variant has not been reported in the literature in individuals affected with RECQL4-related conditions. ClinVar contains an entry for this variant (Variation ID: 1384474). Experimental studies and prediction algorithms are not available or were not evaluated, and the functional significance of this variant is currently unknown. In summary, the available evidence is currently insufficient to determine the role of this variant in disease. Therefore, it has been classified as a Variant of Uncertain Significance.